The following is an entry in ClinVar:

NM_152419.3(HGSNAT):c.1542+4dup

Gene: HGSNAT (heparan-alpha-glucosaminide N-acetyltransferase; plus strand). Cytogenetic location: 8p11.21.
Variant type: Duplication.
Coding change: c.1542+4dup on transcript NM_152419.3 (MANE Select); 4 bases into the intron after coding-DNA position 1542, one base duplicated (A; older notation c.1542+4dupA).
Molecular consequence: intron variant.
Genome position (GRCh38, 1-based): chr8:43,197,029, A duplicated; the last of 2 consecutive A bases (chr8:43,197,028-43,197,029); duplicating either gives the same sequence. VCF-style (leftmost placement, unchanged base first): chr8-43197027-T-TA. GRCh37 (hg19) VCF-style: chr8-43052170-T-TA.
Other names: c.1542+4dupA (NM_152419.2); c.1629+4dup (NM_001363227.2); c.678+4dup (NM_001363229.2); c.1350+4dup (NM_001363228.2).
Identifiers: ClinVar variation 438150 (VCV000438150.19), dbSNP rs1401818080, ClinGen allele CA460579507.

ClinVar aggregate classification (germline): Pathogenic/Likely pathogenic. Review status: criteria provided, multiple submitters, no conflicts (2 of 4 stars). 6 submissions from 6 submitters: Pathogenic (3); Likely pathogenic (2). 1 of the submissions does not count toward it. Last evaluated 2025-11-24.

Conditions:
HGSNAT-related disorders.
Retinitis pigmentosa 73 (RP73). Identifiers: Orphanet 791, MedGen C4225287, MONDO:0014687, OMIM 616544.
Mucopolysaccharidosis, MPS-III-C (MPS3C). Also called: MUCOPOLYSACCHARIDOSIS, TYPE IIIC; SANFILIPPO SYNDROME C; Mucopolysaccharidosis type IIIC (Sanfilippo C); MPS IIIC (Sanfilippo Syndrome Type C); mucopolysaccharidosis type 3C; MPS III C. Identifiers: Orphanet 581, Orphanet 79271, MedGen C0086649, MONDO:0009657, OMIM 252930.
Retinal dystrophy. Also called: Inherited retinal dystrophy. Identifiers: Orphanet 71862, MedGen C0854723, MeSH D058499, MONDO:0019118, HP:0000556.

Submissions (6):

Natera, Inc.
Classification: Likely pathogenic for Mucopolysaccharidosis type IIIC. Last evaluated: 2025-11-24. Review status: criteria provided, single submitter. Criteria: Natera Variant Classification Schema (03/2026). Collection method: clinical testing. Allele origin: germline.
Comment: The c.1542+4dup variant in HGSNAT is a frameshift variant predicted to shift the reading frame and introduce a stop codon. This variant is rare in the general population with a frequency below the threshold expected for the associated phenotype(s). This variant has been observed in one or more individuals affected with the associated recessive disease, as either homozygous or compound heterozygous with a second variant (PMID: 25491247). Functional studies show that this variant may disrupt protein function (PMID: 25491247). Computational prediction algorithms indicate this variant is likely to affect gene or protein function. Given the available evidence, this variant is classified as Likely Pathogenic.

GeneDx
Classification: Pathogenic. Last evaluated: 2025-10-01. Review status: criteria provided, single submitter. Criteria: GeneDx Variant Classification Process June 2021. Collection method: clinical testing. Allele origin: germline.
Comment: Published functional studies found this variant results in skipping of exon 15 (PMID: 25491247); Not observed at significant frequency in large population cohorts (gnomAD); This variant is associated with the following publications: (PMID: 19479962, 26287674, 32581362, 31964843, 25491247, 28041643, 32770643)

Labcorp Genetics (formerly Invitae), Labcorp
Classification: Pathogenic for Retinitis pigmentosa 73; Mucopolysaccharidosis, MPS-III-C. Last evaluated: 2025-04-17. Review status: criteria provided, single submitter. Criteria: Invitae Variant Classification Sherloc (09022015). Collection method: clinical testing. Allele origin: germline.
Comment: This sequence change falls in intron 15 of the HGSNAT gene. It does not directly change the encoded amino acid sequence of the HGSNAT protein. RNA analysis indicates that this variant induces altered splicing and likely results in a shortened protein product. This variant is present in population databases (no rsID available, gnomAD 0.002%). This variant has been observed in individual(s) with mucopolysaccharidosis type IIIC (PMID: 19479962, 25491247). ClinVar contains an entry for this variant (Variation ID: 438150). Variants that disrupt the consensus splice site are a relatively common cause of aberrant splicing (PMID: 17576681, 9536098). Studies have shown that this variant results in skipping of exon 15, but is expected to preserve the integrity of the reading-frame (PMID: 25491247). This variant disrupts a region of the HGSNAT protein in which other variant(s) (p.Ala489Glu) have been determined to be pathogenic (PMID: 19479962, 19823584, 20583299, 31228227). This suggests that this is a clinically significant region of the protein, and that variants that disrupt it are likely to be disease-causing. For these reasons, this variant has been classified as Pathogenic.

Blueprint Genetics
Classification: Pathogenic for HGSNAT-related disorders. Last evaluated: 2024-10-30. Review status: criteria provided, single submitter. Criteria: ACMG Guidelines, 2015. Collection method: clinical testing. Allele origin: germline. Affected: yes. Observed: 5 variant alleles.

Myriad Genetics, Inc.
Classification: Likely pathogenic for Mucopolysaccharidosis, MPS-III-C. Last evaluated: 2024-09-19. Review status: criteria provided, single submitter. Criteria: Myriad Autosomal Dominant, Autosomal Recessive and X-Linked Classification Criteria (2023). Collection method: clinical testing. Allele origin: unknown.
Comment: NM_152419.2(HGSNAT):c.1542+4dupA is an intronic variant classified as likely pathogenic in the context of mucopolysaccharidosis type IIIC. c.1542+4dupA has been observed in cases with relevant disease (PMID: 25491247, 19479962). Relevant functional assessments of this variant are available in the literature (PMID: 25491247). c.1542+4dupA has been observed in referenced population frequency databases. In summary, NM_152419.2(HGSNAT):c.1542+4dupA is an intronic variant that has functional support for pathogenicity and has been observed more frequently in cases with the relevant disease than in healthy populations. Please note: this variant was assessed in the context of healthy population screening.

NIHR Bioresource Rare Diseases, University of Cambridge
Classification: Likely pathogenic for Retinal dystrophy. Last evaluated: 2015-01-01. Review status: no assertion criteria provided. Collection method: research. Allele origin: unknown. Affected: yes. Observed: 1 variant allele. Not counted in ClinVar's aggregate classification.

Literature cited by the submitters: PubMed 25491247 (cited by 3 submitters); PubMed 19479962 (cited by 3 submitters); PubMed 17576681 (cited by Labcorp Genetics (formerly Invitae), Labcorp); PubMed 9536098 (cited by Labcorp Genetics (formerly Invitae), Labcorp); PubMed 19823584 (cited by Labcorp Genetics (formerly Invitae), Labcorp); PubMed 20583299 (cited by Labcorp Genetics (formerly Invitae), Labcorp); PubMed 31228227 (cited by Labcorp Genetics (formerly Invitae), Labcorp); PubMed 28041643 (cited by NIHR Bioresource Rare Diseases, University of Cambridge).